The following is an entry in ClinVar:

NM_000540.3(RYR1):c.7892C>G (p.Pro2631Arg)

Gene: RYR1 (ryanodine receptor 1; plus strand). Cytogenetic location: 19q13.2.
Variant type: single nucleotide variant.
Coding change: c.7892C>G on transcript NM_000540.3 (MANE Select); coding-DNA position 7892, C replaced by G.
Protein change: p.Pro2631Arg; replaces proline 2631 with arginine.
Molecular consequence: missense variant.
Genome position (GRCh38, 1-based): chr19:38,502,936, C>G. VCF-style: chr19-38502936-C-G. GRCh37 (hg19) VCF-style: chr19-38993576-C-G.
Other names: c.7892C>G, p.Pro2631Arg (NM_001042723.2); short protein forms P2631R.
Identifiers: ClinVar variation 4758961 (VCV004758961.1).

ClinVar aggregate classification (germline): Uncertain significance (1 of 4 stars; one submission).

Conditions:
Malignant hyperthermia, susceptibility to, 1 (MHS1). Also called: RYR1-Related Malignant Hyperthermia Susceptibility; Malignant hyperthermia suceptibility 1; Anesthesia related hyperthermia; Malignant hyperpyrexia; Fulminating hyperpyrexia; Pharmacogenic myopathy. Identifiers: Orphanet 423, MedGen C2930980, MONDO:0007783, OMIM 145600.

Submission:

Color Diagnostics, LLC DBA Color Health
Classification: Uncertain significance for Malignant hyperthermia, susceptibility to, 1. Last evaluated: 2025-07-17. Review status: criteria provided, single submitter. Criteria: ACMG Guidelines, 2015. Collection method: clinical testing. Allele origin: germline.
Comment: This missense variant replaces proline with arginine at codon 2631 of the RYR1 protein. Computational prediction suggests that this variant may have deleterious impact on protein structure and function. To our knowledge, functional studies have not been reported for this variant. This variant has not been reported in individuals affected with RYR1-related disorders in the literature. This variant has not been identified in the general population by the Genome Aggregation Database (gnomAD). The available evidence is insufficient to determine the role of this variant in disease conclusively. Therefore, this variant is classified as a Variant of Uncertain Significance.